The following is an entry in ClinVar:

ClinVar aggregate classification (germline): Likely benign. Review status: criteria provided, multiple submitters, no conflicts (2 of 4 stars). 2 submissions from 2 submitters: Likely benign (2). Last evaluated 2024-11-02.

Allele frequency attached by ClinVar (database versions not stated): gnomAD exomes below 0.00001 and 0.00001; ExAC 0.00002; gnomAD 0.00004; TOPMed 0.00005; ESP Exome Variant Server 0.00008.

Submissions (2):

Labcorp Genetics (formerly Invitae), Labcorp
Classification: Likely benign. Last evaluated: 2024-11-02. Review status: criteria provided, single submitter. Criteria: Invitae Variant Classification Sherloc (09022015). Collection method: clinical testing. Allele origin: germline.

Laboratory for Molecular Medicine, Mass General Brigham Personalized Medicine
Classification: Likely benign. Last evaluated: 2011-10-20. Review status: criteria provided, single submitter. Criteria: LMM Criteria. Collection method: clinical testing. Allele origin: germline. Observed: 1 variant allele.
Comment: Glu695Glu in exon 9 of DFNB31: This variant is not expected to have clinical sig nificance because it does not alter an amino acid residue, is not located near a splice junction and has been found in the general population (dbSNP rs140043085 ).

NM_015404.4(WHRN):c.2085G>A (p.Glu695=)

Gene: WHRN (whirlin; minus strand). Cytogenetic location: 9q32.
Variant type: single nucleotide variant.
Coding change: c.2085G>A on transcript NM_015404.4 (MANE Select); coding-DNA position 2085, G replaced by A.
Protein change: p.Glu695=; no amino-acid change (glutamic acid 695 retained).
Molecular consequence: synonymous variant.
Genome position (GRCh38, 1-based): chr9:114,406,506, C>T on the plus strand (G>A on the coding strand, the complement: WHRN is on the minus strand). VCF-style: chr9-114406506-C-T. GRCh37 (hg19) VCF-style: chr9-117168786-C-T.
Other names: c.936G>A, p.Glu312= (NM_001083885.3); c.2085G>A, p.Glu695= (NM_001173425.2); c.1032G>A, p.Glu344= (NM_001346890.1).
Identifiers: ClinVar variation 45667 (VCV000045667.12), dbSNP rs140043085, ClinGen allele CA136904.